The following is an entry in ClinVar:

NM_001040108.2(MLH3):c.3249A>T (p.Thr1083=)

Gene: MLH3 (mutL homolog 3; minus strand). Cytogenetic location: 14q24.3.
Variant type: single nucleotide variant.
Coding change: c.3249A>T on transcript NM_001040108.2 (MANE Select); coding-DNA position 3249, A replaced by T.
Protein change: p.Thr1083=; no amino-acid change (threonine 1083 retained).
Molecular consequence: synonymous variant.
Genome position (GRCh38, 1-based): chr14:75,046,407, T>A on the plus strand (A>T on the coding strand, the complement: MLH3 is on the minus strand). VCF-style: chr14-75046407-T-A. GRCh37 (hg19) VCF-style: chr14-75513110-T-A.
Other names: c.3249A>T, p.Thr1083= (NM_014381.3).
Identifiers: ClinVar variation 1729366 (VCV001729366.5), dbSNP rs1320469296, ClinGen allele CA487177188.

ClinVar aggregate classification (germline): Benign/Likely benign. Review status: criteria provided, multiple submitters, no conflicts (2 of 4 stars). 3 submissions from 3 submitters: Benign (1); Likely benign (2). Last evaluated 2026-05-05.

Conditions:
Colorectal cancer, hereditary nonpolyposis, type 7. Identifiers: Orphanet 144, MedGen C1858380, MONDO:0013725, OMIM 614385.

gnomAD v4.1: 1 of 1,614,176 alleles (0.000062%); no homozygotes.

Submissions (3):

Myriad Genetics, Inc.
Classification: Benign for Colorectal cancer, hereditary nonpolyposis, type 7. Last evaluated: 2026-05-05. Review status: criteria provided, single submitter. Criteria: Myriad Autosomal Dominant, Autosomal Recessive and X-Linked Classification Criteria (2023). Collection method: clinical testing. Allele origin: unknown.
Comment: This variant is considered benign. This variant is a silent/synonymous amino acid change and it is not expected to impact splicing.

Labcorp Genetics (formerly Invitae), Labcorp
Classification: Likely benign for Colorectal cancer, hereditary nonpolyposis, type 7. Last evaluated: 2024-05-09. Review status: criteria provided, single submitter. Criteria: Invitae Variant Classification Sherloc (09022015). Collection method: clinical testing. Allele origin: germline.

Ambry Genetics
Classification: Likely benign. Last evaluated: 2019-09-29. Review status: criteria provided, single submitter. Criteria: Ambry Variant Classification Scheme 2023. Collection method: clinical testing. Allele origin: germline.